The following is an entry in ClinVar:

NM_001365951.3(KIF1B):c.4343A>G (p.Lys1448Arg)

Gene: KIF1B (kinesin family member 1B; plus strand). Cytogenetic location: 1p36.22.
Variant type: single nucleotide variant.
Coding change: c.4343A>G on transcript NM_001365951.3 (MANE Select); coding-DNA position 4343, A replaced by G.
Protein change: p.Lys1448Arg; replaces lysine 1448 with arginine.
Molecular consequence: missense variant.
Genome position (GRCh38, 1-based): chr1:10,363,321, A>G. VCF-style: chr1-10363321-A-G. GRCh37 (hg19) VCF-style: chr1-10423379-A-G.
Other names: c.4343A>G, p.Lys1448Arg (NM_001365952.1); c.4205A>G, p.Lys1402Arg (NM_015074.3); short protein forms K1402R, K1448R.
Identifiers: ClinVar variation 3226490 (VCV003226490.5), dbSNP rs2521898145, ClinGen allele CA338318709.
Genomic context (GRCh38, chr1:10,363,321, plus strand): 5'-TTGTTTTATTTTCTTCAAATAGGAATCGAGTCACTGGCATTTACGAACTCAGCTTATGCA[A>G]AATGTCAGACACAGGTAGTCCAGGTAAGCTCTTGTGGATTGAGGAGGTGATAGTTATCTT-3'
Protein context (NP_001352880.1, residues 1438-1458): VTGIYELSLC[Lys1448Arg]MSDTGSPGMQ

ClinVar aggregate classification (germline): Uncertain significance. Review status: criteria provided, multiple submitters, no conflicts (2 of 4 stars). 2 submissions from 2 submitters: Uncertain significance (2). Last evaluated 2026-02-01.

Submissions (2):

CeGaT Center for Human Genetics Tuebingen
Classification: Uncertain significance. Last evaluated: 2026-02-01. Review status: criteria provided, single submitter. Criteria: CeGaT Center For Human Genetics Tuebingen Variant Classification Criteria Version 2. Collection method: clinical testing. Allele origin: germline. Affected: yes. Observed: 1 variant allele.
Comment: KIF1B: PM2

Ambry Genetics
Classification: Uncertain significance. Last evaluated: 2023-12-01. Review status: criteria provided, single submitter. Criteria: Ambry Variant Classification Scheme 2023. Collection method: clinical testing. Allele origin: germline.
Comment: The p.K1402R variant (also known as c.4205A>G), located in coding exon 38 of the KIF1B gene, results from an A to G substitution at nucleotide position 4205. The lysine at codon 1402 is replaced by arginine, an amino acid with highly similar properties. This amino acid position is conserved. In addition, the in silico prediction for this alteration is inconclusive. Since supporting evidence is limited at this time, the clinical significance of this alteration remains unclear.